The following is an entry in ClinVar:

NM_001347721.2(DYRK1A):c.404A>G (p.Asn135Ser)

Gene: DYRK1A (dual specificity tyrosine phosphorylation regulated kinase 1A; plus strand). Cytogenetic location: 21q22.13.
Variant type: single nucleotide variant.
Coding change: c.404A>G on transcript NM_001347721.2 (MANE Select); coding-DNA position 404, A replaced by G.
Protein change: p.Asn135Ser; replaces asparagine 135 with serine.
Molecular consequence: missense variant.
Genome position (GRCh38, 1-based): chr21:37,480,741, A>G. VCF-style: chr21-37480741-A-G. GRCh37 (hg19) VCF-style: chr21-38853043-A-G.
Other names: c.404A>G, p.Asn135Ser (NM_001347722.2, NM_130436.2); c.317A>G, p.Asn106Ser (NM_001347723.2); c.431A>G, p.Asn144Ser (NM_001396.5, NM_101395.2, NM_130438.2); short protein forms N106S, N135S, N144S.
Identifiers: ClinVar variation 665902 (VCV000665902.9), dbSNP rs1601230964, ClinGen allele CA409944358.
Genomic context (GRCh38, chr21:37,480,741, plus strand): 5'-GAGACGATTCTAGTCATAAGAAGGAACGGAAGGTTTACAATGATGGTTATGATGATGATA[A>G]CTATGATTATATTGTAAAAAACGGAGAAAAGTGGATGGATCGTTACGAAATTGACTCCTT-3'
Protein context (NP_001334650.1, residues 125-145): KVYNDGYDDD[Asn135Ser]YDYIVKNGEK

ClinVar aggregate classification (germline): Uncertain significance (1 of 4 stars; one submission).

Conditions:
DYRK1A-related intellectual disability syndrome (MRD7). Also called: Intellectual developmental disorder, autosomal dominant 7; DYRK1A Syndrome. Identifiers: Orphanet 464306, MedGen C5568143, MONDO:0013578, OMIM 614104.

Allele frequency attached by ClinVar (database versions not stated): gnomAD exomes below 0.00001.
gnomAD v4.1: 3 of 1,613,248 alleles (0.00019%); highest among the groups gnomAD compares: Non-Finnish European, 0.00025%; no homozygotes.

Submission:

Labcorp Genetics (formerly Invitae), Labcorp
Classification: Uncertain significance for DYRK1A-related intellectual disability syndrome. Last evaluated: 2022-03-19. Review status: criteria provided, single submitter. Criteria: Invitae Variant Classification Sherloc (09022015). Collection method: clinical testing. Allele origin: germline.
Comment: This sequence change replaces asparagine, which is neutral and polar, with serine, which is neutral and polar, at codon 144 of the DYRK1A protein (p.Asn144Ser). This variant is not present in population databases (gnomAD no frequency). This variant has not been reported in the literature in individuals affected with DYRK1A-related conditions. ClinVar contains an entry for this variant (Variation ID: 665902). Advanced modeling of protein sequence and biophysical properties (such as structural, functional, and spatial information, amino acid conservation, physicochemical variation, residue mobility, and thermodynamic stability) performed at Invitae indicates that this missense variant is expected to disrupt DYRK1A protein function. In summary, the available evidence is currently insufficient to determine the role of this variant in disease. Therefore, it has been classified as a Variant of Uncertain Significance.